The following is an entry in ClinVar:

NM_012108.4(STAP1):c.157A>C (p.Thr53Pro)

Gene: STAP1 (signal transducing adaptor family member 1; plus strand). Cytogenetic location: 4q13.2.
Variant type: single nucleotide variant.
Coding change: c.157A>C on transcript NM_012108.4 (MANE Select); coding-DNA position 157, A replaced by C.
Protein change: p.Thr53Pro; replaces threonine 53 with proline.
Molecular consequence: missense variant.
Genome position (GRCh38, 1-based): chr4:67,571,120, A>C. VCF-style: chr4-67571120-A-C. GRCh37 (hg19) VCF-style: chr4-68436838-A-C.
Other names: c.157A>C, p.Thr53Pro (NM_001317769.2); short protein forms T53P.
Identifiers: ClinVar variation 3226188 (VCV003226188.1), dbSNP rs1727595529, ClinGen allele CA357046630.
Genomic context (GRCh38, chr4:67,571,120, plus strand): 5'-ATGTTTATGGTTTCTTTCCCACAGGAGTATGAGCATTACTGGACAGAGTTGAGAGGAACT[A>C]CTCTTTTCTTTTATACCGACAAAAAGAGTATAATAGTAAGTAAATATGTTGAGCTGATTC-3'
Protein context (NP_036240.1, residues 43-63): EHYWTELRGT[Thr53Pro]LFFYTDKKSI

ClinVar aggregate classification (germline): Uncertain significance (1 of 4 stars; one submission).

Submission:

Ambry Genetics
Classification: Uncertain significance. Last evaluated: 2024-03-08. Review status: criteria provided, single submitter. Criteria: Ambry Variant Classification Scheme 2023. Collection method: clinical testing. Allele origin: germline.
Comment: The p.T53P variant (also known as c.157A>C), located in coding exon 2 of the STAP1 gene, results from an A to C substitution at nucleotide position 157. The threonine at codon 53 is replaced by proline, an amino acid with highly similar properties. This amino acid position is conserved. In addition, the in silico prediction for this alteration is inconclusive. Based on the available evidence, the clinical significance of this alteration remains unclear.